The following is an entry in ClinVar:

ClinVar aggregate classification (germline): Uncertain significance. Review status: criteria provided, multiple submitters, no conflicts (2 of 4 stars). 2 submissions from 2 submitters: Uncertain significance (2). Last evaluated 2024-06-30.

Conditions:
Inborn genetic diseases. Identifiers: MedGen C0950123, MeSH D030342.
Xeroderma pigmentosum, group D (XPD). Also called: XERODERMA PIGMENTOSUM, COMPLEMENTATION GROUP D; XERODERMA PIGMENTOSUM IV; XP, GROUP D; XP, GROUP H; ERCC2-Related Xeroderma Pigmentosum. Identifiers: MedGen C0268138, MONDO:0010212, OMIM 278730.

Allele frequency attached by ClinVar (database versions not stated): gnomAD exomes below 0.00001; ExAC 0.00001; ESP Exome Variant Server 0.00008.
gnomAD v4.1: 2 of 1,614,120 alleles (0.00012%); highest among the groups gnomAD compares: Non-Finnish European, 0.000085%; no homozygotes.

Submissions (2):

Ambry Genetics
Classification: Uncertain significance for Inborn genetic diseases. Last evaluated: 2024-06-30. Review status: criteria provided, single submitter. Criteria: Ambry Variant Classification Scheme 2023. Collection method: clinical testing. Allele origin: germline.
Comment: The p.N176S variant (also known as c.527A>G), located in coding exon 7 of the ERCC2 gene, results from an A to G substitution at nucleotide position 527. The asparagine at codon 176 is replaced by serine, an amino acid with highly similar properties. This amino acid position is conserved. In addition, this alteration is predicted to be tolerated by in silico analysis. Since supporting evidence is limited at this time, the clinical significance of this alteration remains unclear.

Illumina Laboratory Services, Illumina
Classification: Uncertain significance for Xeroderma pigmentosum, group D. Last evaluated: 2018-01-13. Review status: criteria provided, single submitter. Criteria: ICSL Variant Classification Criteria 13 December 2019. Collection method: clinical testing. Allele origin: germline.

NM_000400.4(ERCC2):c.527A>G (p.Asn176Ser)

Gene: ERCC2 (ERCC excision repair 2, TFIIH core complex helicase subunit; minus strand). Cytogenetic location: 19q13.32.
Variant type: single nucleotide variant.
Coding change: c.527A>G on transcript NM_000400.4 (MANE Select); coding-DNA position 527, A replaced by G.
Protein change: p.Asn176Ser; replaces asparagine 176 with serine.
Molecular consequence: missense variant.
Genome position (GRCh38, 1-based): chr19:45,364,905, T>C on the plus strand (A>G on the coding strand, the complement: ERCC2 is on the minus strand). VCF-style: chr19-45364905-T-C. GRCh37 (hg19) VCF-style: chr19-45868163-T-C.
Other names: c.455A>G, p.Asn152Ser (NM_001130867.2); short protein forms N152S, N176S.
Identifiers: ClinVar variation 893795 (VCV000893795.7), dbSNP rs146137795, ClinGen allele CA9513753.